The following is an entry in ClinVar:

ClinVar aggregate classification (germline): Pathogenic (1 of 4 stars; one submission).

Submission:

Labcorp Genetics (formerly Invitae), Labcorp
Classification: Pathogenic. Last evaluated: 2023-11-27. Review status: criteria provided, single submitter. Criteria: Invitae Variant Classification Sherloc (09022015). Collection method: clinical testing. Allele origin: germline.
Comment: This sequence change creates a premature translational stop signal (p.Gly2899Leufs*46) in the COL7A1 gene. While this is not anticipated to result in nonsense mediated decay, it is expected to disrupt the last 46 amino acid(s) of the COL7A1 protein. This variant is not present in population databases (gnomAD no frequency). This variant has not been reported in the literature in individuals affected with COL7A1-related conditions. This variant disrupts a region of the COL7A1 protein in which other variant(s) (p.Arg2927His) have been determined to be pathogenic (PMID: 16971478, 26446410). This suggests that this is a clinically significant region of the protein, and that variants that disrupt it are likely to be disease-causing. For these reasons, this variant has been classified as Pathogenic.

Literature cited by the submitters: PubMed 16971478; PubMed 26446410.

NM_000094.4(COL7A1):c.8694_8715del (p.Gly2899fs)

Gene: COL7A1 (collagen type VII alpha 1 chain; minus strand). Cytogenetic location: 3p21.31.
Variant type: Deletion.
Coding change: c.8694_8715del on transcript NM_000094.4 (MANE Select); coding-DNA positions 8694 to 8715, 22 bases deleted (AGGCAGCACAGAGGCCTGTCAC).
Protein change: p.Gly2899fs; shifts the reading frame from glycine 2899.
Molecular consequence: frameshift variant.
Genome position (GRCh38, 1-based): chr3:48,564,886-48,564,907, GTGACAGGCCTCTGTGCTGCCT deleted on the plus strand (AGGCAGCACAGAGGCCTGTCAC on the coding strand, the reverse complement: COL7A1 is on the minus strand); deleting any 22 consecutive bases within chr3:48,564,886-48,564,909 gives the same sequence; the c. name uses the placement nearest the transcript's 3' end. VCF-style (leftmost placement, unchanged base first): chr3-48564885-GGTGACAGGCCTCTGTGCTGCCT-G. GRCh37 (hg19) VCF-style: chr3-48602318-GGTGACAGGCCTCTGTGCTGCCT-G.
Other names: short protein forms G2899fs.
Identifiers: ClinVar variation 2848957 (VCV002848957.3), dbSNP rs2530796180, ClinGen allele CA2739278404.